The following is an entry in ClinVar:

ClinVar aggregate classification (germline): Uncertain significance (1 of 4 stars; one submission).

Submission:

Labcorp Genetics (formerly Invitae), Labcorp
Classification: Uncertain significance. Last evaluated: 2024-08-02. Review status: criteria provided, single submitter. Criteria: Invitae Variant Classification Sherloc (09022015). Collection method: clinical testing. Allele origin: germline.
Comment: This sequence change replaces arginine, which is basic and polar, with glycine, which is neutral and non-polar, at codon 421 of the KRT12 protein (p.Arg421Gly). This variant is not present in population databases (gnomAD no frequency). This variant has not been reported in the literature in individuals affected with KRT12-related conditions. Advanced modeling of protein sequence and biophysical properties (such as structural, functional, and spatial information, amino acid conservation, physicochemical variation, residue mobility, and thermodynamic stability) performed at Invitae indicates that this missense variant is not expected to disrupt KRT12 protein function with a negative predictive value of 80%. In summary, the available evidence is currently insufficient to determine the role of this variant in disease. Therefore, it has been classified as a Variant of Uncertain Significance.

NM_000223.4(KRT12):c.1261C>G (p.Arg421Gly)

Gene: KRT12 (keratin 12; minus strand). Cytogenetic location: 17q21.2.
Variant type: single nucleotide variant.
Coding change: c.1261C>G on transcript NM_000223.4 (MANE Select); coding-DNA position 1261, C replaced by G.
Protein change: p.Arg421Gly; replaces arginine 421 with glycine.
Molecular consequence: missense variant.
Genome position (GRCh38, 1-based): chr17:40,863,178, G>C on the plus strand (C>G on the coding strand, the complement: KRT12 is on the minus strand). VCF-style: chr17-40863178-G-C. GRCh37 (hg19) VCF-style: chr17-39019430-G-C.
Other names: short protein forms R421G.
Identifiers: ClinVar variation 3661214 (VCV003661214.2).